The following is an entry in ClinVar:

ClinVar aggregate classification (germline): Uncertain significance (1 of 4 stars; one submission).

Conditions:
Leukocyte adhesion deficiency 1 (LAD1). Also called: LEUKOCYTE ADHESION DEFICIENCY, TYPE I; LAD 1; Lymphocyte function-associated antigen 1 immunodeficiency; LFA 1 immunodeficiency. Identifiers: Orphanet 2968, Orphanet 99842, MedGen C0398738, MONDO:0007293, OMIM 116920.

Allele frequency attached by ClinVar (database versions not stated): gnomAD exomes below 0.00001; TOPMed below 0.00001; gnomAD 0.00001.
gnomAD v4.1: 4 of 1,613,638 alleles (0.00025%); highest among the groups gnomAD compares: Non-Finnish European, 0.00034%; no homozygotes.

Submission:

Labcorp Genetics (formerly Invitae), Labcorp
Classification: Uncertain significance for Leukocyte adhesion deficiency 1. Last evaluated: 2021-09-21. Review status: criteria provided, single submitter. Criteria: Invitae Variant Classification Sherloc (09022015). Collection method: clinical testing. Allele origin: germline.
Comment: Algorithms developed to predict the effect of missense changes on protein structure and function (SIFT, PolyPhen-2, Align-GVGD) all suggest that this variant is likely to be disruptive. This sequence change replaces leucine with proline at codon 714 of the ITGB2 protein (p.Leu714Pro). The leucine residue is highly conserved and there is a moderate physicochemical difference between leucine and proline. This variant is not present in population databases (ExAC no frequency). This variant has not been reported in the literature in individuals affected with ITGB2-related conditions. In summary, the available evidence is currently insufficient to determine the role of this variant in disease. Therefore, it has been classified as a Variant of Uncertain Significance.

NM_000211.5(ITGB2):c.2141T>C (p.Leu714Pro)

Gene: ITGB2 (integrin subunit beta 2; minus strand). Cytogenetic location: 21q22.3.
Variant type: single nucleotide variant.
Coding change: c.2141T>C on transcript NM_000211.5 (MANE Select); coding-DNA position 2141, T replaced by C.
Protein change: p.Leu714Pro; replaces leucine 714 with proline.
Molecular consequence: missense variant.
Genome position (GRCh38, 1-based): chr21:44,886,842, A>G on the plus strand (T>C on the coding strand, the complement: ITGB2 is on the minus strand). VCF-style: chr21-44886842-A-G. GRCh37 (hg19) VCF-style: chr21-46306757-A-G.
Other names: c.2141T>C, p.Leu714Pro (NM_001127491.3); c.1934T>C, p.Leu645Pro (NM_001303238.2); short protein forms L645P, L714P.
Identifiers: ClinVar variation 1428769 (VCV001428769.6), dbSNP rs1261871346, ClinGen allele CA410482557.